The following is an entry in ClinVar:

NM_000089.4(COL1A2):c.568G>A (p.Gly190Arg)

Gene: COL1A2 (collagen type I alpha 2 chain; plus strand). Cytogenetic location: 7q21.3.
Variant type: single nucleotide variant.
Coding change: c.568G>A on transcript NM_000089.4 (MANE Select); coding-DNA position 568, G replaced by A.
Protein change: p.Gly190Arg; replaces glycine 190 with arginine.
Molecular consequence: missense variant.
Genome position (GRCh38, 1-based): chr7:94,406,277, G>A. VCF-style: chr7-94406277-G-A. GRCh37 (hg19) VCF-style: chr7-94035589-G-A.
Other names: short protein forms G190R.
Identifiers: ClinVar variation 4075357 (VCV004075357.1).

ClinVar aggregate classification (germline): Pathogenic. Review status: criteria provided, single submitter (1 of 4 stars). 2 submissions from 1 submitter: Pathogenic (2). Last evaluated 2025-07-16.

Conditions:
Osteogenesis imperfecta with normal sclerae, dominant form (OI4). Also called: Common Variable Osteogenesis Imperfecta with Normal Sclerae; OSTEOGENESIS IMPERFECTA, TYPE IV, WITH DENTINOGENESIS IMPERFECTA; Osteogenesis Imperfecta Type IV; OSTEOGENESIS IMPERFECTA WITH NORMAL SCLERAE; Osteogenesis imperfecta type 4. Identifiers: Orphanet 216820, Orphanet 666, MedGen C0268363, MONDO:0008148, OMIM 166220.
Osteogenesis imperfecta type I (OI1). Also called: Classic Non-deforming Osteogenesis Imperfecta with Blue Sclerae; Lobstein disease; OI, TYPE I; OSTEOGENESIS IMPERFECTA TARDA; OSTEOGENESIS IMPERFECTA WITH BLUE SCLERAE; Osteogenesis imperfecta type 1. Identifiers: Orphanet 216796, Orphanet 666, MedGen C0023931, MONDO:0008146, OMIM 166200. Disease mechanism: loss of function.

Submissions (2):

Clinical Biomedical Laboratory, Shriners Hospital For Children - Canada
Classification: Pathogenic for Osteogenesis imperfecta with normal sclerae, dominant form. Last evaluated: 2025-07-16. Review status: criteria provided, single submitter. Criteria: ACMG Guidelines, 2015. Collection method: clinical testing. Allele origin: germline. Affected: yes.
Comment: This variant is predicted to replace a glycine residue by an arginine residue in the triple helical domain of the collagen type I alpha 2 chain. Glycine substitutions in the triple helical domain of collagen type I cause disruption in the formation of the triple helix in the collagen molecule and are a typical cause of osteogenesis imperfecta. In the Genome Aggregation Database v2.1.1 this variant is not present. Prediction tools (REVEL: 0.99) suggest that the change is damaging to protein function. We have observed this variant twice in the Shriners Hospital for Children variant database in individuals diagnosed with osteogenesis imperfecta.

Clinical Biomedical Laboratory, Shriners Hospital For Children - Canada
Classification: Pathogenic for Osteogenesis imperfecta type I. Last evaluated: 2025-07-16. Review status: criteria provided, single submitter. Criteria: ACMG Guidelines, 2015. Collection method: clinical testing. Allele origin: germline. Affected: yes.
Comment: This variant is predicted to substitute a glycine residue by an arginine residue in the alpha 2 chain of collagen type I. Glycine substitutions in the triple helical domain of collagen type I cause disruption in the formation of the triple helix in the collagen molecule and are a typical cause of osteogenesis imperfecta. This variant has not been found in the Genome Aggregation Database v2.1.1., indicating it is very rare. We have observed this variant in the Shriners Hospital for Children Canada variant database in two unrelated individuals with a diagnosis of osteogenesis imperfecta. Prediction tools (REVEL: 0.96) suggest that the change is detrimental to protein function.